The following is an entry in ClinVar:

NM_016292.3(TRAP1):c.88+7086T>C

Gene: TRAP1 (TNF receptor associated protein 1; minus strand). Cytogenetic location: 16p13.3.
Variant type: single nucleotide variant.
Coding change: c.88+7086T>C on transcript NM_016292.3 (MANE Select); 7086 bases into the intron after coding-DNA position 88, T replaced by C.
Molecular consequence: intron variant.
Genome position (GRCh38, 1-based): chr16:3,710,335, A>G on the plus strand (T>C on the coding strand, the complement: TRAP1 is on the minus strand). VCF-style: chr16-3710335-A-G. GRCh37 (hg19) VCF-style: chr16-3760336-A-G.
Other names: c.88+7086T>C (NM_001272049.2).
Identifiers: ClinVar variation 2688541 (VCV002688541.2), dbSNP rs9972684, ClinGen allele CA14360261.

ClinVar aggregate classification (germline): Benign (1 of 4 stars; one submission).

Allele frequency attached by ClinVar (database versions not stated): gnomAD 0.66683; TOPMed 0.67613; 1000 Genomes Project 0.75300; 1000 Genomes Project 30x 0.75734; gnomAD exomes 0.78571.
gnomAD v4.1: 101,272 of 152,148 alleles (67%); highest among the groups gnomAD compares: African/African-American, 89%; 35,547 homozygotes.

Submission:

Unidad de Genómica Garrahan, Hospital de Pediatría Garrahan
Classification: Benign. Last evaluated: 2024-01-24. Review status: criteria provided, single submitter. Criteria: ACMG Guidelines, 2015. Collection method: clinical testing. Allele origin: germline. Affected: no. Observed: 74 variant alleles.
Comment: This variant is classified as Benign based on local population frequency. This variant was detected in 84% of patients studied by a panel of primary immunodeficiencies. Number of patients: 74. Only high quality variants are reported.